The following is an entry in ClinVar:

NM_000548.5(TSC2):c.3410T>C (p.Leu1137Pro)

Gene: TSC2 (TSC complex subunit 2; plus strand). Cytogenetic location: 16p13.3.
Variant type: single nucleotide variant.
Coding change: c.3410T>C on transcript NM_000548.5 (MANE Select); coding-DNA position 3410, T replaced by C.
Protein change: p.Leu1137Pro; replaces leucine 1137 with proline.
Molecular consequence: missense variant. On other transcripts: non-coding transcript variant (5).
Genome position (GRCh38, 1-based): chr16:2,080,177, T>C. VCF-style: chr16-2080177-T-C. GRCh37 (hg19) VCF-style: chr16-2130178-T-C.
Other names: c.2681T>C, p.Leu894Pro (NM_001406686.1, NM_001406685.1); c.2678T>C, p.Leu893Pro (NM_001406687.1, NM_001406688.1, NM_001318831.2); c.2066T>C, p.Leu689Pro (NM_001406689.1); c.1937T>C, p.Leu646Pro (NM_001406690.1, NM_001406692.1, NM_001406693.1 and 1 more transcripts); c.1934T>C, p.Leu645Pro (NM_001406691.1, NM_001406695.1, NM_001406696.1 and 1 more transcripts); c.3278T>C, p.Leu1093Pro (NM_001077183.3, NM_001370404.1, NM_001406665.1); c.3410T>C, p.Leu1137Pro (NM_001114382.3); c.3170T>C, p.Leu1057Pro (NM_001318827.2); and 18 more; short protein forms L1137P, L559P, L645P, L646P, L689P, L893P, L894P, L936P.
Identifiers: ClinVar variation 4757822 (VCV004757822.1).

ClinVar aggregate classification (germline): Uncertain significance (1 of 4 stars; one submission).

Conditions:
Tuberous sclerosis syndrome (TSC). Also called: Tuberous Sclerosis Complex; Tuberous sclerosis. Identifiers: Orphanet 805, MedGen C0041341, MONDO:0001734.

gnomAD v4.1: 3 of 1,612,942 alleles (0.00019%); highest among the groups gnomAD compares: South Asian, 0.0033%; no homozygotes.

Submission:

Color Diagnostics, LLC DBA Color Health
Classification: Uncertain significance for Tuberous sclerosis syndrome. Last evaluated: 2025-08-14. Review status: criteria provided, single submitter. Criteria: ACMG Guidelines, 2015. Collection method: clinical testing. Allele origin: germline.
Comment: This missense variant replaces leucine with proline at codon 1137 of the TSC2 protein. Computational prediction is inconclusive regarding the impact of this variant on protein structure and function. To our knowledge, functional studies have not been reported for this variant. This variant has not been reported in individuals affected with TSC2-related disorders in the literature. This variant has not been identified in the general population by the Genome Aggregation Database (gnomAD). The available evidence is insufficient to determine the role of this variant in disease conclusively. Therefore, this variant is classified as a Variant of Uncertain Significance.